The following is an entry in ClinVar:

ClinVar aggregate classification (germline): Uncertain significance. Review status: criteria provided, multiple submitters, no conflicts (2 of 4 stars). 2 submissions from 2 submitters: Uncertain significance (2). Last evaluated 2024-09-26.

gnomAD v4.1: 42 of 1,614,014 alleles (0.0026%); highest among the groups gnomAD compares: South Asian, 0.046%; 1 homozygote.

Submissions (2):

Ambry Genetics
Classification: Uncertain significance. Last evaluated: 2024-09-26. Review status: criteria provided, single submitter. Criteria: Ambry Variant Classification Scheme 2023. Collection method: clinical testing. Allele origin: germline.

Labcorp Genetics (formerly Invitae), Labcorp
Classification: Uncertain significance. Last evaluated: 2024-04-22. Review status: criteria provided, single submitter. Criteria: Invitae Variant Classification Sherloc (09022015). Collection method: clinical testing. Allele origin: germline.
Comment: This sequence change replaces leucine, which is neutral and non-polar, with phenylalanine, which is neutral and non-polar, at codon 81 of the SLC10A2 protein (p.Leu81Phe). This variant is present in population databases (rs553484714, gnomAD 0.05%). This variant has not been reported in the literature in individuals affected with SLC10A2-related conditions. Advanced modeling of protein sequence and biophysical properties (such as structural, functional, and spatial information, amino acid conservation, physicochemical variation, residue mobility, and thermodynamic stability) performed at Invitae indicates that this missense variant is not expected to disrupt SLC10A2 protein function with a negative predictive value of 80%. In summary, the available evidence is currently insufficient to determine the role of this variant in disease. Therefore, it has been classified as a Variant of Uncertain Significance.

NM_000452.3(SLC10A2):c.241C>T (p.Leu81Phe)

Gene: SLC10A2 (solute carrier family 10 member 2; minus strand). Cytogenetic location: 13q33.1.
Variant type: single nucleotide variant.
Coding change: c.241C>T on transcript NM_000452.3 (MANE Select); coding-DNA position 241, C replaced by T.
Protein change: p.Leu81Phe; replaces leucine 81 with phenylalanine.
Molecular consequence: missense variant.
Genome position (GRCh38, 1-based): chr13:103,066,009, G>A on the plus strand (C>T on the coding strand, the complement: SLC10A2 is on the minus strand). VCF-style: chr13-103066009-G-A. GRCh37 (hg19) VCF-style: chr13-103718359-G-A.
Other names: short protein forms L81F.
Identifiers: ClinVar variation 3442447 (VCV003442447.3).